The following is an entry in ClinVar:

NM_001384732.1(CPLANE1):c.6895G>A (p.Glu2299Lys)

Gene: CPLANE1 (ciliogenesis and planar polarity effector complex subunit 1; minus strand). Cytogenetic location: 5p13.2.
Variant type: single nucleotide variant.
Coding change: c.6895G>A on transcript NM_001384732.1 (MANE Select); coding-DNA position 6895, G replaced by A.
Protein change: p.Glu2299Lys; replaces glutamic acid 2299 with lysine.
Molecular consequence: missense variant.
Genome position (GRCh38, 1-based): chr5:37,169,129, C>T on the plus strand (G>A on the coding strand, the complement: CPLANE1 is on the minus strand). VCF-style: chr5-37169129-C-T. GRCh37 (hg19) VCF-style: chr5-37169231-C-T.
Other names: c.6895G>A, p.Glu2299Lys (NM_023073.4); short protein forms E2299K.
Identifiers: ClinVar variation 1918923 (VCV001918923.2), dbSNP rs1195442022, ClinGen allele CA359479396.

ClinVar aggregate classification (germline): Uncertain significance (1 of 4 stars; one submission).

Allele frequency attached by ClinVar (database versions not stated): gnomAD exomes below 0.00001; gnomAD 0.00001; TOPMed 0.00001.
gnomAD v4.1: 3 of 1,613,998 alleles (0.00019%); highest among the groups gnomAD compares: Admixed American, 0.0017%; no homozygotes.

Submission:

Labcorp Genetics (formerly Invitae), Labcorp
Classification: Uncertain significance. Last evaluated: 2022-07-01. Review status: criteria provided, single submitter. Criteria: Invitae Variant Classification Sherloc (09022015). Collection method: clinical testing. Allele origin: germline.
Comment: This sequence change replaces glutamic acid, which is acidic and polar, with lysine, which is basic and polar, at codon 2299 of the CPLANE1 protein (p.Glu2299Lys). This variant is not present in population databases (gnomAD no frequency). This variant has not been reported in the literature in individuals affected with CPLANE1-related conditions. Advanced modeling of protein sequence and biophysical properties (such as structural, functional, and spatial information, amino acid conservation, physicochemical variation, residue mobility, and thermodynamic stability) performed at Invitae indicates that this missense variant is not expected to disrupt CPLANE1 protein function. In summary, the available evidence is currently insufficient to determine the role of this variant in disease. Therefore, it has been classified as a Variant of Uncertain Significance.